The following is an entry in ClinVar:

ClinVar aggregate classification (germline): Likely benign. Review status: criteria provided, multiple submitters, no conflicts (2 of 4 stars). 5 submissions from 5 submitters: Likely benign (5). Last evaluated 2025-09-18.

Conditions:
Familial thoracic aortic aneurysm and aortic dissection (TAAD). Also called: Thoracic aortic aneurysms and dissections. Identifiers: Orphanet 91387, MedGen C4707243, MONDO:0019625.
Aortic aneurysm, familial thoracic 7 (AAT7). Also called: AORTIC DISSECTION, FAMILIAL, WITH OR WITHOUT AORTIC ANEURYSM. Identifiers: MedGen C3151077, MONDO:0013418, OMIM 613780.

Allele frequency attached by ClinVar (database versions not stated): ExAC 0.00002; gnomAD 0.00003; gnomAD exomes 0.00003 and 0.00004; TOPMed 0.00005; ESP Exome Variant Server 0.00008.
gnomAD v4.1: 58 of 1,614,154 alleles (0.0036%); highest among the groups gnomAD compares: Middle Eastern, 0.017%; no homozygotes.

Submissions (5):

Labcorp Genetics (formerly Invitae), Labcorp
Classification: Likely benign for Aortic aneurysm, familial thoracic 7. Last evaluated: 2025-09-18. Review status: criteria provided, single submitter. Criteria: Invitae Variant Classification Sherloc (09022015). Collection method: clinical testing. Allele origin: germline.

CeGaT Center for Human Genetics Tuebingen
Classification: Likely benign. Last evaluated: 2023-02-01. Review status: criteria provided, single submitter. Criteria: CeGaT Center For Human Genetics Tuebingen Variant Classification Criteria Version 2. Collection method: clinical testing. Allele origin: germline. Affected: yes. Observed: 1 variant allele.
Comment: MYLK: BP4, BP7

CHEO Genetics Diagnostic Laboratory, Children's Hospital of Eastern Ontario
Classification: Likely benign for Familial thoracic aortic aneurysm and aortic dissection. Last evaluated: 2022-03-10. Review status: criteria provided, single submitter. Criteria: ACMG Guidelines, 2015. Collection method: clinical testing. Allele origin: germline.

GeneDx
Classification: Likely benign. Last evaluated: 2021-10-12. Review status: criteria provided, single submitter. Criteria: GeneDx Variant Classification Process June 2021. Collection method: clinical testing. Allele origin: germline. Affected: yes.

Ambry Genetics
Classification: Likely benign for Familial thoracic aortic aneurysm and aortic dissection. Last evaluated: 2016-07-13. Review status: criteria provided, single submitter. Criteria: Ambry Variant Classification Scheme 2023. Collection method: clinical testing. Allele origin: germline.

NM_053025.4(MYLK):c.2076G>A (p.Thr692=)

Gene: MYLK (myosin light chain kinase; minus strand). Cytogenetic location: 3q21.1.
Variant type: single nucleotide variant.
Coding change: c.2076G>A on transcript NM_053025.4 (MANE Select); coding-DNA position 2076, G replaced by A.
Protein change: p.Thr692=; no amino-acid change (threonine 692 retained).
Molecular consequence: synonymous variant.
Genome position (GRCh38, 1-based): chr3:123,708,762, C>T on the plus strand (G>A on the coding strand, the complement: MYLK is on the minus strand). VCF-style: chr3-123708762-C-T. GRCh37 (hg19) VCF-style: chr3-123427609-C-T.
Other names: c.1548G>A, p.Thr516= (NM_001321309.2); c.1869G>A, p.Thr623= (NM_053026.4, NM_053028.4); c.2076G>A, p.Thr692= (NM_053027.4).
Identifiers: ClinVar variation 519988 (VCV000519988.43), dbSNP rs147295583, ClinGen allele CA067994.